The following is an entry in ClinVar:

NM_001130438.3(SPTAN1):c.2719C>T (p.Arg907Trp)

Gene: SPTAN1 (spectrin alpha, non-erythrocytic 1; plus strand). Cytogenetic location: 9q34.11.
Variant type: single nucleotide variant.
Coding change: c.2719C>T on transcript NM_001130438.3 (MANE Select); coding-DNA position 2719, C replaced by T.
Protein change: p.Arg907Trp; replaces arginine 907 with tryptophan.
Molecular consequence: missense variant.
Genome position (GRCh38, 1-based): chr9:128,585,906, C>T. VCF-style: chr9-128585906-C-T. GRCh37 (hg19) VCF-style: chr9-131348185-C-T.
Other names: c.2719C>T, p.Arg907Trp (NM_001195532.2, NM_001363759.2, NM_001363765.2 and 1 more transcripts); short protein forms R907W.
Identifiers: ClinVar variation 2723001 (VCV002723001.3), dbSNP rs886063502, ClinGen allele CA10629101.

ClinVar aggregate classification (germline): Uncertain significance (1 of 4 stars; one submission).

Conditions:
Early-infantile DEE. Also called: Early infantile epileptic encephalopathy; Early infantile epileptic encephalopathy with suppression bursts; Ohtahara syndrome. Identifiers: Orphanet 1934, MedGen C0393706, MONDO:0800491.

Allele frequency attached by ClinVar (database versions not stated): gnomAD 0.00001; gnomAD exomes 0.00001; TOPMed 0.00001.
gnomAD v4.1: 13 of 1,613,568 alleles (0.00081%); highest among the groups gnomAD compares: South Asian, 0.0011%; no homozygotes.

Submission:

Labcorp Genetics (formerly Invitae), Labcorp
Classification: Uncertain significance for Early-infantile DEE. Last evaluated: 2025-02-14. Review status: criteria provided, single submitter. Criteria: Invitae Variant Classification Sherloc (09022015). Collection method: clinical testing. Allele origin: germline.
Comment: This sequence change replaces arginine, which is basic and polar, with tryptophan, which is neutral and slightly polar, at codon 907 of the SPTAN1 protein (p.Arg907Trp). This variant is not present in population databases (gnomAD no frequency). This variant has not been reported in the literature in individuals affected with SPTAN1-related conditions. ClinVar contains an entry for this variant (Variation ID: 2723001). Invitae Evidence Modeling of protein sequence and biophysical properties (such as structural, functional, and spatial information, amino acid conservation, physicochemical variation, residue mobility, and thermodynamic stability) has been performed for this missense variant. However, the output from this modeling did not meet the statistical confidence thresholds required to predict the impact of this variant on SPTAN1 protein function. In summary, the available evidence is currently insufficient to determine the role of this variant in disease. Therefore, it has been classified as a Variant of Uncertain Significance.